The following is an entry in ClinVar:

ClinVar aggregate classification (germline): Pathogenic (1 of 4 stars; one submission).

Conditions:
DICER1-related tumor predisposition. Also called: DICER1-related pleuropulmonary blastoma cancer predisposition syndrome; DICER1 syndrome. Identifiers: Orphanet 284343, MedGen C3839822, MONDO:0100216.

Submission:

Foulkes Cancer Genetics LDI, Lady Davis Institute for Medical Research
Classification: Pathogenic for Pleuropulmonary blastoma. Last evaluated: 2019-07-01. Review status: criteria provided, single submitter. Criteria: ACMG Guidelines, 2015. Collection method: curation. Allele origin: de novo, unknown, somatic. Affected: yes. Observed: 10 variant alleles.
Comment: ACMG criteria met: PS2, PS3, PM1, PM2, PP4

Literature cited by the submitters: PubMed 26475046; PubMed 24136150; PubMed 27459524; PubMed 24909177; PubMed 26925222; PubMed 28654427; PubMed 29037807; PubMed 28766837; PubMed 29474644.

NM_177438.3(DICER1):c.5439G>C (p.Glu1813Asp)

Gene: DICER1 (dicer 1, ribonuclease III; minus strand). Cytogenetic location: 14q32.13.
Variant type: single nucleotide variant.
Coding change: c.5439G>C on transcript NM_177438.3 (MANE Select); coding-DNA position 5439, G replaced by C.
Protein change: p.Glu1813Asp; replaces glutamic acid 1813 with aspartic acid.
Molecular consequence: missense variant. On other transcripts: intron variant (1).
Genome position (GRCh38, 1-based): chr14:95,091,291, C>G on the plus strand (G>C on the coding strand, the complement: DICER1 is on the minus strand). VCF-style: chr14-95091291-C-G. GRCh37 (hg19) VCF-style: chr14-95557628-C-G.
Other names: c.5439G>C, p.Glu1813Asp (NM_001271282.3, NM_001291628.2, NM_030621.4); c.5365-182G>C (NM_001195573.1); short protein forms E1813D.
Identifiers: ClinVar variation 933124 (VCV000933124.3), dbSNP rs1889805730, ClinGen allele CA390864649.